The following is an entry in ClinVar:

ClinVar aggregate classification (germline): Likely benign. Review status: criteria provided, multiple submitters, no conflicts (2 of 4 stars). 2 submissions from 2 submitters: Likely benign (2). Last evaluated 2025-03-31.

Conditions:
NKX2-5-related disorder. Also called: NKX2-5-related condition.
Cardiovascular phenotype. Identifiers: MedGen CN230736.

Submissions (2):

PreventionGenetics, part of Exact Sciences
Classification: Likely benign for NKX2-5-related condition. Last evaluated: 2025-03-31. Review status: criteria provided, single submitter. Criteria: ACMG Guidelines, 2015. Collection method: clinical testing. Allele origin: germline.
Comment: This variant is classified as likely benign based on ACMG/AMP sequence variant interpretation guidelines (Richards et al. 2015 PMID: 25741868, with internal and published modifications).

Ambry Genetics
Classification: Likely benign for Cardiovascular phenotype. Last evaluated: 2024-10-22. Review status: criteria provided, single submitter. Criteria: Ambry Variant Classification Scheme 2023. Collection method: clinical testing. Allele origin: germline.

NM_004387.4(NKX2-5):c.747T>C (p.Gly249=)

Gene: NKX2-5 (NK2 homeobox 5; minus strand). Cytogenetic location: 5q35.1.
Variant type: single nucleotide variant.
Coding change: c.747T>C on transcript NM_004387.4 (MANE Select); coding-DNA position 747, T replaced by C.
Protein change: p.Gly249=; no amino-acid change (glycine 249 retained).
Molecular consequence: synonymous variant. On other transcripts: 3 prime UTR variant (2).
Genome position (GRCh38, 1-based): chr5:173,232,797, A>G on the plus strand (T>C on the coding strand, the complement: NKX2-5 is on the minus strand). VCF-style: chr5-173232797-A-G. GRCh37 (hg19) VCF-style: chr5-172659800-A-G.
Other names: c.*700T>C (NM_001166175.2); c.*546T>C (NM_001166176.2).
Identifiers: ClinVar variation 3405920 (VCV003405920.2).